The following is an entry in ClinVar:

NM_000054.7(AVPR2):c.601G>T (p.Gly201Cys)

Gene: AVPR2 (arginine vasopressin receptor 2; plus strand). Cytogenetic location: Xq28.
Variant type: single nucleotide variant.
Coding change: c.601G>T on transcript NM_000054.7 (MANE Select); coding-DNA position 601, G replaced by T.
Protein change: p.Gly201Cys; replaces glycine 201 with cysteine.
Molecular consequence: missense variant. On other transcripts: non-coding transcript variant (1).
Genome position (GRCh38, 1-based): chrX:153,906,107, G>T. VCF-style: chrX-153906107-G-T. GRCh37 (hg19) VCF-style: chrX-153171561-G-T.
Other names: c.601G>T, p.Gly201Cys (NM_001146151.3); short protein forms G201C.
Identifiers: ClinVar variation 3767886 (VCV003767886.2).

ClinVar aggregate classification (germline): Likely pathogenic. Review status: criteria provided, single submitter (1 of 4 stars). 2 submissions from 1 submitter: Likely pathogenic (2). Last evaluated 2026-08-13.

Conditions:
Diabetes insipidus, nephrogenic, X-linked. Also called: Nephrogenic Diabetes Insipidus, Type I. Identifiers: Orphanet 223, MedGen C1563705, MONDO:0010581, OMIM 304800.
Nephrogenic diabetes insipidus. Identifiers: Orphanet 223, MedGen C0162283, MONDO:0016383, HP:0009806.

Submissions (2):

Clinical Genetics Laboratory, Skane University Hospital Lund
Classification: Likely pathogenic for Diabetes insipidus, nephrogenic, X-linked. Last evaluated: 2026-08-13. Review status: criteria provided, single submitter. Criteria: ACMG Guidelines, 2015. Collection method: clinical testing. Allele origin: germline. Inheritance: X-linked recessive inheritance. Affected: yes.
Comment: ACMG criteria used: PM2, PP1, PP3 and PP4_Strong.

Clinical Genetics Laboratory, Skane University Hospital Lund
Classification: Likely pathogenic for Nephrogenic diabetes insipidus. Last evaluated: 2024-07-24. Review status: criteria provided, single submitter. Criteria: ACMG Guidelines, 2015. Collection method: clinical testing. Allele origin: germline. Affected: yes.
Comment: PM2, PP1, PP3, PP4_Strong